The following is an entry in ClinVar:

NM_001081.4(CUBN):c.6997A>G (p.Ile2333Val)

Gene: CUBN (cubilin; minus strand). Cytogenetic location: 10p13.
Variant type: single nucleotide variant.
Coding change: c.6997A>G on transcript NM_001081.4 (MANE Select); coding-DNA position 6997, A replaced by G.
Protein change: p.Ile2333Val; replaces isoleucine 2333 with valine.
Molecular consequence: missense variant.
Genome position (GRCh38, 1-based): chr10:16,918,625, T>C on the plus strand (A>G on the coding strand, the complement: CUBN is on the minus strand). VCF-style: chr10-16918625-T-C. GRCh37 (hg19) VCF-style: chr10-16960624-T-C.
Other names: short protein forms I2333V.
Identifiers: ClinVar variation 299431 (VCV000299431.14), dbSNP rs149507036, ClinGen allele CA5423501.

ClinVar aggregate classification (germline): Benign. Review status: criteria provided, multiple submitters, no conflicts (2 of 4 stars). 2 submissions from 2 submitters: Benign (2). Last evaluated 2026-01-19.

Conditions:
Imerslund-Grasbeck syndrome. Also called: Megaloblastic anemia due to inborn errors of metabolism; Imerslund-Gräsbeck syndrome; ENTEROCYTE COBALAMIN MALABSORPTION; ENTEROCYTE INTRINSIC FACTOR RECEPTOR, DEFECT OF; PERNICIOUS ANEMIA, JUVENILE, DUE TO SELECTIVE INTESTINAL MALABSORPTION OF VITAMIN B12, WITH PROTEINURIA. Identifiers: Orphanet 35858, MedGen C4551825, MONDO:0009853.
Imerslund-Grasbeck syndrome type 1 (IGS1). Also called: Megaloblastic anemia 1, Finnish type; MEGALOBLASTIC ANEMIA, 1; Imerslund-Gräsbeck syndrome 1. Identifiers: MedGen C4016819, MONDO:0100156, OMIM 261100.

Allele frequency attached by ClinVar (database versions not stated): gnomAD exomes 0.00031 and 0.00086; 1000 Genomes Project 30x 0.00312; gnomAD 0.00326 and 0.00349; TOPMed 0.00353; ExAC 0.00112; 1000 Genomes Project 0.00280; ESP Exome Variant Server 0.00415.
gnomAD v4.1: 971 of 1,612,620 alleles (0.06%); highest among the groups gnomAD compares: African/African-American, 1.2%; 4 homozygotes.

Submissions (2):

Labcorp Genetics (formerly Invitae), Labcorp
Classification: Benign for Imerslund-Grasbeck syndrome. Last evaluated: 2026-01-19. Review status: criteria provided, single submitter. Criteria: Invitae Variant Classification Sherloc (09022015). Collection method: clinical testing. Allele origin: germline.

Illumina Laboratory Services, Illumina
Classification: Benign for Imerslund-Grasbeck syndrome type 1. Last evaluated: 2018-01-12. Review status: criteria provided, single submitter. Criteria: ICSL Variant Classification Criteria 13 December 2019. Collection method: clinical testing. Allele origin: germline.
Comment: This variant was observed in the ICSL laboratory as part of a predisposition screen in an ostensibly healthy population. It had not been previously curated by ICSL or reported in the Human Gene Mutation Database (HGMD: prior to June 1st, 2018), and was therefore a candidate for classification through an automated scoring system. Utilizing variant allele frequency, disease prevalence and penetrance estimates, and inheritance mode, an automated score was calculated to assess if this variant is too frequent to cause the disease. Based on the score and internal cut-off values, a variant classified as benign is not then subjected to further curation. The score for this variant resulted in a classification of benign for this disease.